The following is an entry in ClinVar:

NM_001244008.2(KIF1A):c.2955C>T (p.Arg985=)

Gene: KIF1A (kinesin family member 1A; minus strand). Cytogenetic location: 2q37.3.
Variant type: single nucleotide variant.
Coding change: c.2955C>T on transcript NM_001244008.2 (MANE Select); coding-DNA position 2955, C replaced by T.
Protein change: p.Arg985=; no amino-acid change (arginine 985 retained).
Molecular consequence: synonymous variant.
Genome position (GRCh38, 1-based): chr2:240,750,451, G>A on the plus strand (C>T on the coding strand, the complement: KIF1A is on the minus strand). VCF-style: chr2-240750451-G-A. GRCh37 (hg19) VCF-style: chr2-241689868-G-A.
Other names: c.2679C>T, p.Arg893= (NM_001320705.2, NM_001330289.2, NM_001379638.1); c.2754C>T, p.Arg918= (NM_001330290.2, NM_001379634.1, NM_001379635.1 and 1 more transcripts); c.3030C>T, p.Arg1010= (NM_001379631.1); c.2904C>T, p.Arg968= (NM_001379632.1); c.2928C>T, p.Arg976= (NM_001379633.1, NM_001379642.1, NM_001379645.1); c.2652C>T, p.Arg884= (NM_001379636.1, NM_001379639.1, NM_001379640.1 and 6 more transcripts); c.2727C>T, p.Arg909= (NM_001379637.1, NM_001379648.1).
Identifiers: ClinVar variation 1107876 (VCV001107876.23), dbSNP rs537989393, ClinGen allele CA2207973.
Genomic context (GRCh38, chr2:240,750,451, plus strand): 5'-GGCTCCAATGCCACACACGGCCTTTGGCCCACACGCACCTGAGATGGCCTGGACGGCCAC[G>A]CGGAGGAAGCCCTTCACCTCGCCCTTCTCGCTGACGATTGCCACACGGTGTACCAGGGGA-3'
Protein context (NP_001230937.1, residues 975-995): SEKGEVKGFL[Arg985=]VAVQAISADE

ClinVar aggregate classification (germline): Likely benign. Review status: criteria provided, multiple submitters, no conflicts (2 of 4 stars). 2 submissions from 2 submitters: Likely benign (2). Last evaluated 2025-11-02.

Conditions:
Hereditary spastic paraplegia 30. Identifiers: Orphanet 101010, MedGen C5235139, MONDO:0012476.
Neuropathy, hereditary sensory, type 2C. Also called: Hereditary sensory and autonomic neuropathy type IIC; KIF1A-Related HSAN2 (HSAN2C). Identifiers: Orphanet 970, MedGen C3280168, MONDO:0013634, OMIM 614213.
Intellectual disability, autosomal dominant 9 (NESCAVS). Also called: NESCAV SYNDROME; KIF1A-Related Neurodevelopmental Disorder. Identifiers: Orphanet 662367, MedGen C5393830, MONDO:0013656, OMIM 614255.

Allele frequency attached by ClinVar (database versions not stated): gnomAD exomes 0.00003 and 0.00006; ExAC 0.00007; TOPMed 0.00012; gnomAD 0.00013; 1000 Genomes Project 30x 0.00016; 1000 Genomes Project 0.00020.
gnomAD v4.1: 69 of 1,613,640 alleles (0.0043%); highest among the groups gnomAD compares: African/African-American, 0.027%; no homozygotes.

Submissions (2):

Labcorp Genetics (formerly Invitae), Labcorp
Classification: Likely benign for Hereditary spastic paraplegia 30; Neuropathy, hereditary sensory, type 2C; Intellectual disability, autosomal dominant 9. Last evaluated: 2025-11-02. Review status: criteria provided, single submitter. Criteria: Invitae Variant Classification Sherloc (09022015). Collection method: clinical testing. Allele origin: germline.

CeGaT Center for Human Genetics Tuebingen
Classification: Likely benign. Last evaluated: 2024-10-01. Review status: criteria provided, single submitter. Criteria: CeGaT Center For Human Genetics Tuebingen Variant Classification Criteria Version 2. Collection method: clinical testing. Allele origin: germline. Affected: yes. Observed: 1 variant allele.
Comment: KIF1A: BP4, BP7